The following is an entry in ClinVar:

ClinVar aggregate classification (germline): Uncertain significance (1 of 4 stars; one submission).

gnomAD v4.1: 1 of 1,614,074 alleles (0.000062%); highest among the groups gnomAD compares: Non-Finnish European, 0.000085%; no homozygotes.

Submission:

GeneDx
Classification: Uncertain significance. Last evaluated: 2025-07-21. Review status: criteria provided, single submitter. Criteria: GeneDx Variant Classification Process June 2021. Collection method: clinical testing. Allele origin: germline. Affected: yes.
Comment: Not observed at significant frequency in large population cohorts (gnomAD); In silico analysis supports that this missense variant has a deleterious effect on protein structure/function; Has not been previously published as pathogenic or benign to our knowledge

NM_015057.5(MYCBP2):c.5954A>G (p.Asn1985Ser)

Gene: MYCBP2 (MYC binding protein 2; minus strand). Cytogenetic location: 13q22.3.
Variant type: single nucleotide variant.
Coding change: c.5954A>G on transcript NM_015057.5 (MANE Select); coding-DNA position 5954, A replaced by G.
Protein change: p.Asn1985Ser; replaces asparagine 1985 with serine.
Molecular consequence: missense variant.
Genome position (GRCh38, 1-based): chr13:77,168,588, T>C on the plus strand (A>G on the coding strand, the complement: MYCBP2 is on the minus strand). VCF-style: chr13-77168588-T-C. GRCh37 (hg19) VCF-style: chr13-77742723-T-C.
Other names: short protein forms N1985S.
Identifiers: ClinVar variation 4686823 (VCV004686823.1).